The following is an entry in ClinVar:

ClinVar aggregate classification (germline): Uncertain significance. Review status: criteria provided, multiple submitters, no conflicts (2 of 4 stars). 3 submissions from 3 submitters: Uncertain significance (3). Last evaluated 2025-11-04.

Allele frequency attached by ClinVar (database versions not stated): TOPMed below 0.00001; gnomAD 0.00001.
gnomAD v4.1: 2 of 1,568,546 alleles (0.00013%); highest among the groups gnomAD compares: African/African-American, 0.0027%; no homozygotes.

Submissions (3):

GeneDx
Classification: Uncertain significance. Last evaluated: 2025-11-04. Review status: criteria provided, single submitter. Criteria: GeneDx Variant Classification Process June 2021. Collection method: clinical testing. Allele origin: germline. Affected: yes.
Comment: Reported as a de novo variant in an individual with autism in published literature; however, de novo variants in other genes were also identified in this individual and no further clinical information was provided (PMID: 35982160); Not observed at significant frequency in large population cohorts (gnomAD); In silico analysis suggests that this missense variant does not alter protein structure/function; This variant is associated with the following publications: (PMID: 35982159, 35982160)

Women's Health and Genetics/Laboratory Corporation of America, LabCorp
Classification: Uncertain significance. Last evaluated: 2024-09-12. Review status: criteria provided, single submitter. Criteria: LabCorp Variant Classification Summary - May 2015. Collection method: clinical testing. Allele origin: germline.
Comment: Variant summary: KMT2B c.3050C>T (p.Ala1017Val) results in a non-conservative amino acid change in the encoded protein sequence. Three of five in-silico tools predict a benign effect of the variant on protein function. The variant was absent in 179540 control chromosomes. The available data on variant occurrences in the general population are insufficient to allow any conclusion about variant significance. To our knowledge, no occurrence of c.3050C>T in individuals affected with Dystonia 28, Childhood-Onset and no experimental evidence demonstrating its impact on protein function have been reported. ClinVar contains an entry for this variant (Variation ID: 1189166). Based on the evidence outlined above, the variant was classified as uncertain significance.

Labcorp Genetics (formerly Invitae), Labcorp
Classification: Uncertain significance. Last evaluated: 2023-08-04. Review status: criteria provided, single submitter. Criteria: Invitae Variant Classification Sherloc (09022015). Collection method: clinical testing. Allele origin: germline.
Comment: In summary, the available evidence is currently insufficient to determine the role of this variant in disease. Therefore, it has been classified as a Variant of Uncertain Significance. Advanced modeling of protein sequence and biophysical properties (such as structural, functional, and spatial information, amino acid conservation, physicochemical variation, residue mobility, and thermodynamic stability) performed at Invitae indicates that this missense variant is not expected to disrupt KMT2B protein function. ClinVar contains an entry for this variant (Variation ID: 1189166). This variant has not been reported in the literature in individuals affected with KMT2B-related conditions. This variant is not present in population databases (gnomAD no frequency). This sequence change replaces alanine, which is neutral and non-polar, with valine, which is neutral and non-polar, at codon 1017 of the KMT2B protein (p.Ala1017Val).

NM_014727.3(KMT2B):c.3050C>T (p.Ala1017Val)

Gene: KMT2B (lysine methyltransferase 2B; plus strand). Cytogenetic location: 19q13.12.
Variant type: single nucleotide variant.
Coding change: c.3050C>T on transcript NM_014727.3 (MANE Select); coding-DNA position 3050, C replaced by T.
Protein change: p.Ala1017Val; replaces alanine 1017 with valine.
Molecular consequence: missense variant.
Genome position (GRCh38, 1-based): chr19:35,723,494, C>T. VCF-style: chr19-35723494-C-T. GRCh37 (hg19) VCF-style: chr19-36214396-C-T.
Other names: short protein forms A1017V.
Identifiers: ClinVar variation 1189166 (VCV001189166.9), dbSNP rs1969301334, ClinGen allele CA405403377.